The following is an entry in ClinVar:

NM_001510.4(GRID2):c.52T>C (p.Trp18Arg)

Genes: GRID2 (glutamate ionotropic receptor delta type subunit 2; plus strand), GRID2-AS1 (GRID2 antisense RNA 1; minus strand). Cytogenetic location: 4q22.1.
Variant type: single nucleotide variant.
Coding change: c.52T>C on transcript NM_001510.4 (MANE Select); coding-DNA position 52, T replaced by C.
Protein change: p.Trp18Arg; replaces tryptophan 18 with arginine.
Molecular consequence: missense variant.
Genome position (GRCh38, 1-based): chr4:92,304,708, T>C. VCF-style: chr4-92304708-T-C. GRCh37 (hg19) VCF-style: chr4-93225859-T-C.
Other names: c.52T>C, p.Trp18Arg (NM_001286838.1, NM_001440459.1); short protein forms W18R.
Identifiers: ClinVar variation 4681479 (VCV004681479.5).
Genomic context (GRCh38, chr4:92,304,708, plus strand): 5'-TAGGAGGAGATGGAAGTTTTCCCCTTTCTCTTGGTTTTGTCCGTCTGGTGGTCTCGAACC[T>C]GGGACTCGGCGAATGCGGATTCGATCATTCACATCGGTAAGAAAGTGTTGGTGCAGCTCG-3'
Protein context (NP_001501.2, residues 8-28): LVLSVWWSRT[Trp18Arg]DSANADSIIH

ClinVar aggregate classification (germline): Uncertain significance (1 of 4 stars; one submission).

gnomAD v4.1: 44 of 1,613,444 alleles (0.0027%); highest among the groups gnomAD compares: East Asian, 0.027%; 1 homozygote.

Submission:

CeGaT Center for Human Genetics Tuebingen
Classification: Uncertain significance. Last evaluated: 2025-12-01. Review status: criteria provided, single submitter. Criteria: CeGaT Center For Human Genetics Tuebingen Variant Classification Criteria Version 2. Collection method: clinical testing. Allele origin: germline. Affected: yes. Observed: 1 variant allele.
Comment: GRID2: PM2:Supporting